The following is an entry in ClinVar:

NM_000143.4(FH):c.1165_1174del (p.Gly389fs)

Gene: FH (fumarate hydratase; minus strand). Cytogenetic location: 1q43.
Variant type: Deletion.
Coding change: c.1165_1174del on transcript NM_000143.4 (MANE Select); coding-DNA positions 1165 to 1174, 10 bases deleted (GGGAACCATG; older notation c.1165_1174delGGGAACCATG).
Protein change: p.Gly389fs; shifts the reading frame from glycine 389.
Molecular consequence: frameshift variant.
Genome position (GRCh38, 1-based): chr1:241,502,505-241,502,514, CATGGTTCCC deleted on the plus strand (GGGAACCATG on the coding strand, the reverse complement: FH is on the minus strand); deleting any 10 consecutive bases within chr1:241,502,505-241,502,518 gives the same sequence; the c. name uses the placement nearest the transcript's 3' end. VCF-style (leftmost placement, unchanged base first): chr1-241502504-ACATGGTTCCC-A. GRCh37 (hg19) VCF-style: chr1-241665804-ACATGGTTCCC-A.
Other names: short protein forms G389fs.
Identifiers: ClinVar variation 654732 (VCV000654732.1), dbSNP rs1573879313, ClinGen allele CA915942099.

ClinVar aggregate classification (germline): Pathogenic (1 of 4 stars; one submission).

Conditions:
Fumarase deficiency (FMRD). Also called: Fumaric aciduria; Fumarate Hydratase Deficiency. Identifiers: Orphanet 24, MedGen C0342770, MONDO:0011730, OMIM 606812.

Submission:

Labcorp Genetics (formerly Invitae), Labcorp
Classification: Pathogenic for Fumarase deficiency. Last evaluated: 2018-12-30. Review status: criteria provided, single submitter. Criteria: Invitae Variant Classification Sherloc (09022015). Collection method: clinical testing. Allele origin: germline.
Comment: This sequence change creates a premature translational stop signal (p.Gly389Leufs*14) in the FH gene. It is expected to result in an absent or disrupted protein product. This variant is not present in population databases (ExAC no frequency). This variant has not been reported in the literature in individuals with FH-related conditions. Loss-of-function variants in FH are known to be pathogenic (PMID: 11865300, 21398687). For these reasons, this variant has been classified as Pathogenic.